The following is an entry in ClinVar:

ClinVar aggregate classification (germline): Uncertain significance (1 of 4 stars; one submission).

Allele frequency attached by ClinVar (database versions not stated): gnomAD 0.00001; TOPMed 0.00001.
gnomAD v4.1: 1 of 1,205,527 alleles (0.000083%); highest among the groups gnomAD compares: Non-Finnish European, 0.00011%; no homozygotes.

Submission:

Labcorp Genetics (formerly Invitae), Labcorp
Classification: Uncertain significance. Last evaluated: 2021-11-13. Review status: criteria provided, single submitter. Criteria: Invitae Variant Classification Sherloc (09022015). Collection method: clinical testing. Allele origin: germline.
Comment: In summary, the available evidence is currently insufficient to determine the role of this variant in disease. Therefore, it has been classified as a Variant of Uncertain Significance. Algorithms developed to predict the effect of missense changes on protein structure and function (SIFT, PolyPhen-2, Align-GVGD) all suggest that this variant is likely to be tolerated. This variant has not been reported in the literature in individuals affected with NYX-related conditions. This variant is not present in population databases (gnomAD no frequency). This sequence change replaces serine, which is neutral and polar, with arginine, which is basic and polar, at codon 469 of the NYX protein (p.Ser469Arg).

NM_001378477.3(NYX):c.1392C>G (p.Ser464Arg)

Gene: NYX (nyctalopin; plus strand). Cytogenetic location: Xp11.4.
Variant type: single nucleotide variant.
Coding change: c.1392C>G on transcript NM_001378477.3 (MANE Select); coding-DNA position 1392, C replaced by G.
Protein change: p.Ser464Arg; replaces serine 464 with arginine.
Molecular consequence: missense variant.
Genome position (GRCh38, 1-based): chrX:41,474,860, C>G. VCF-style: chrX-41474860-C-G. GRCh37 (hg19) VCF-style: chrX-41334113-C-G.
Other names: c.1392C>G, p.Ser464Arg (NM_022567.3); short protein forms S464R.
Identifiers: ClinVar variation 1393115 (VCV001393115.6), dbSNP rs1003093901, ClinGen allele CA412993803.
Genomic context (GRCh38, chrX:41,474,860, plus strand): 5'-TGGGGTGGGAGGCGCGGGCCGGCAGCCCTGGTTTCTCCTCGCCTCTTGTCTCCTGCCCAG[C>G]GTGGCCCAGCACGTGGTGTTTGGCCTGCAGATGGACTGACCTGGCCAGAGGGGGGAAAGT-3'
Protein context (NP_001365406.2, residues 454-474): WFLLASCLLP[Ser464Arg]VAQHVVFGLQ